The following is an entry in ClinVar:

NM_002576.5(PAK1):c.391T>A (p.Tyr131Asn)

Gene: PAK1 (p21 (RAC1) activated kinase 1; minus strand). Cytogenetic location: 11q13.5.
Variant type: single nucleotide variant.
Coding change: c.391T>A on transcript NM_002576.5 (MANE Select); coding-DNA position 391, T replaced by A.
Protein change: p.Tyr131Asn; replaces tyrosine 131 with asparagine.
Molecular consequence: missense variant. On other transcripts: non-coding transcript variant (2), intron variant (1).
Genome position (GRCh38, 1-based): chr11:77,379,289, A>T on the plus strand (T>A on the coding strand, the complement: PAK1 is on the minus strand). VCF-style: chr11-77379289-A-T. GRCh37 (hg19) VCF-style: chr11-77090334-A-T.
Other names: c.391T>A, p.Tyr131Asn (NM_001128620.2, NM_001376268.1, NM_001376269.1 and 26 more transcripts); c.412T>A, p.Tyr138Asn (NM_001376272.1); c.97T>A, p.Tyr33Asn (NM_001376302.1, NM_001376304.1, NM_001376305.1); c.191-4924T>A (NM_001376301.1); c.391T>A (NM_002576.4); short protein forms Y131N, Y138N, Y33N.
Identifiers: ClinVar variation 1174490 (VCV001174490.3), dbSNP rs2137081759, ClinGen allele CA382169545.

ClinVar aggregate classification (germline): Pathogenic. Review status: criteria provided, single submitter (1 of 4 stars). 2 submissions from 2 submitters: Pathogenic (1). 1 of the submissions does not count toward it. Last evaluated 2022-09-02.

Conditions:
Intellectual developmental disorder with macrocephaly, seizures, and speech delay. Identifiers: MedGen C4748428, MONDO:0032568, OMIM 618158.

Submissions (2):

Victorian Clinical Genetics Services, Murdoch Childrens Research Institute
Classification: Pathogenic for Intellectual developmental disorder with macrocephaly, seizures, and speech delay. Last evaluated: 2022-09-02. Review status: criteria provided, single submitter. Criteria: ACMG Guidelines, 2015. Collection method: clinical testing. Allele origin: germline. Inheritance: Autosomal dominant inheritance. Affected: yes.
Comment: Based on the classification scheme VCGS_Germline_v1.3.4, this variant is classified as Pathogenic. Following criteria are met: 0101 - Gain of function is a known mechanism of disease in this gene and is associated with intellectual developmental disorder with macrocephaly, seizures, and speech delay (MIM#618158) (PMID: 30290153). (I) 0107 - This gene is associated with autosomal dominant disease. (I) 0200 - Variant is predicted to result in a missense amino acid change from tyrosine to asparagine. (I) 0251 - This variant is heterozygous. (I) 0301 - Variant is absent from gnomAD (both v2 and v3). (SP) 0501 - Missense variant consistently predicted to be damaging by multiple in silico tools or highly conserved with a major amino acid change. (SP) 0602 - Variant is located in a hotspot region or cluster of pathogenic variants (DECIPHER). (SP) 0704 - Another missense variant comparable to the one identified in this case has limited previous evidence for pathogenicity. An alternative change to a cysteine has been reported in a de novo individual with neurodevelopmental disorder (PMID: 30290153). (SP) 0803 - This variant has limited previous evidence of pathogenicity in an unrelated individual. This variant has been reported as likely pathogenic in ClinVar. (SP) 0905 - No published segregation evidence has been identified for this variant. (I) 1007 - No published functional evidence has been identified for this variant. (SP) Legend: (SP) - Supporting pathogenic, (I) - Information, (SB) - Supporting benign

Clinical Genetics Laboratory, University Hospital Schleswig-Holstein
Classification: Likely pathogenic for Intellectual developmental disorder with macrocephaly, seizures, and speech delay. Last evaluated: 2021-01-27. Review status: no assertion criteria provided. Collection method: clinical testing. Allele origin: germline. Affected: yes. Not counted in ClinVar's aggregate classification.

Literature cited by the submitters: PubMed 30290153 (cited by Victorian Clinical Genetics Services, Murdoch Childrens Research Institute).